The following is an entry in ClinVar:

NM_001267550.2(TTN):c.46814dup (p.Asn15605fs)

Genes: TTN (titin; minus strand), TTN-AS1 (TTN antisense RNA 1; plus strand). Cytogenetic location: 2q31.2.
Variant type: Duplication.
Coding change: c.46814dup on transcript NM_001267550.2 (MANE Select); coding-DNA position 46814, one base duplicated (A; older notation c.46814dupA).
Protein change: p.Asn15605fs; shifts the reading frame from asparagine 15605.
Molecular consequence: frameshift variant.
Genome position (GRCh38, 1-based): chr2:178,618,736, T duplicated on the plus strand (A on the coding strand, the reverse complement: TTN is on the minus strand); the first of 4 consecutive T bases (chr2:178,618,736-178,618,739); duplicating any one gives the same sequence. VCF-style (leftmost placement, unchanged base first): chr2-178618735-A-AT. GRCh37 (hg19) VCF-style: chr2-179483462-A-AT.
Other names: p.Asn13964Lysfs*2; c.41891dup, p.Asn13964fs (NM_001256850.1); c.19619dup, p.Asn6540fs (NM_003319.4); c.39110dup, p.Asn13037fs (NM_133378.4); c.19994dup, p.Asn6665fs (NM_133432.3); c.20195dup, p.Asn6732fs (NM_133437.4); short protein forms N13037fs, N13964fs, N15605fs, N6540fs, N6665fs, N6732fs.
Identifiers: ClinVar variation 2683641 (VCV002683641.1), dbSNP rs2470914216, ClinGen allele CA2697551418.

ClinVar aggregate classification (germline): Likely pathogenic (1 of 4 stars; one submission).

Submission:

Mayo Clinic Laboratories, Mayo Clinic
Classification: Likely pathogenic. Last evaluated: 2022-06-22. Review status: criteria provided, single submitter. Criteria: ACMG Guidelines, 2015. Collection method: clinical testing. Allele origin: germline. Observed: 1 variant allele.
Comment: PM2_supporting, PVS1